The following is an entry in ClinVar:

ClinVar aggregate classification (germline): Likely pathogenic (1 of 4 stars; one submission).

Conditions:
Hypophosphatasia. Also called: Phosphoethanol-aminuria. Identifiers: Orphanet 436, MedGen C0020630, MeSH D007014, MONDO:0018570.

gnomAD v4.1: 1 of 1,614,016 alleles (0.000062%); no homozygotes.

Submission:

Genomenon, Inc
Classification: Likely pathogenic for Hypophosphatasia. Last evaluated: 2025-08-29. Review status: criteria provided, single submitter. Criteria: Genomenon Sequence Variant Interpretation Standards. Collection method: curation. Allele origin: germline. Affected: yes.
Comment: ALPL c.704A>G is a missense variant that changes the amino acid at residue 235 from Glutamic acid to Glycine. This variant has been observed in a proband affected with hypophosphatasia (PMID:11438998). At least one functional study has demonstrated a substantial alteration in protein function relative to the wild-type (PMID:9562633;32160374). This variant has been described as Glu218Gly in the literature. It is absent or not present at a significant frequency in gnomAD. In silico models agree that this variant is possibly or probably damaging. In conclusion, we classify ALPL p.Glu235Gly (c.704A>G) as a likely pathogenic variant.

Literature cited by the submitters: PubMed 9562633; PubMed 32160374; PubMed 11438998.

NM_000478.6(ALPL):c.704A>G (p.Glu235Gly)

Gene: ALPL (alkaline phosphatase, biomineralization associated; plus strand). Cytogenetic location: 1p36.12.
Variant type: single nucleotide variant.
Coding change: c.704A>G on transcript NM_000478.6 (MANE Select); coding-DNA position 704, A replaced by G.
Protein change: p.Glu235Gly; replaces glutamic acid 235 with glycine.
Molecular consequence: missense variant.
Genome position (GRCh38, 1-based): chr1:21,568,159, A>G. VCF-style: chr1-21568159-A-G. GRCh37 (hg19) VCF-style: chr1-21894652-A-G.
Other names: c.539A>G, p.Glu180Gly (NM_001127501.4); c.473A>G, p.Glu158Gly (NM_001177520.3); c.704A>G, p.Glu235Gly (NM_001369803.2, NM_001369804.2, NM_001369805.2); short protein forms E158G, E180G, E235G.
Identifiers: ClinVar variation 4086827 (VCV004086827.1).
Genomic context (GRCh38, chr1:21,568,159, plus strand): 5'-TTTAGGTGATCATGGGGGGTGGCCGGAAATACATGTACCCCAAGAATAAAACTGATGTGG[A>G]GTATGAGAGTGACGAGAAAGCCAGGGGCACGAGGCTGGACGGCCTGGACCTCGTTGACAC-3'
Protein context (NP_000469.3, residues 225-245): YMYPKNKTDV[Glu235Gly]YESDEKARGT